The following is an entry in ClinVar:

NM_147127.5(EVC2):c.1207del (p.Ser403fs)

Genes: EVC2 (EvC ciliary complex subunit 2; minus strand), LOC126806961 (BRD4-independent group 4 enhancer GRCh37_chr4:5641443-5642642; plus strand). Cytogenetic location: 4p16.2.
Variant type: Deletion.
Coding change: c.1207del on transcript NM_147127.5 (MANE Select); coding-DNA position 1207, one base deleted (A; older notation c.1207delA).
Protein change: p.Ser403fs; shifts the reading frame from serine 403.
Molecular consequence: frameshift variant.
Genome position (GRCh38, 1-based): chr4:5,640,777, T deleted on the plus strand (A on the coding strand, the reverse complement: EVC2 is on the minus strand). VCF-style (leftmost placement, unchanged base first): chr4-5640776-CT-C. GRCh37 (hg19) VCF-style: chr4-5642503-CT-C.
Other names: c.967del, p.Ser323fs (NM_001166136.2); short protein forms S323fs, S403fs.
Identifiers: ClinVar variation 5011365 (VCV005011365.1).

ClinVar aggregate classification (germline): Pathogenic (1 of 4 stars; one submission).

Conditions:
Ellis-van Creveld syndrome (EVC). Also called: MESOECTODERMAL DYSPLASIA; Chondroectodermal dysplasia. Identifiers: Orphanet 289, MedGen C0013903, MONDO:0009162, OMIM 225500.

Submission:

Myriad Genetics, Inc.
Classification: Pathogenic for Ellis-van Creveld syndrome. Last evaluated: 2023-08-17. Review status: criteria provided, single submitter. Criteria: Myriad Autosomal Dominant, Autosomal Recessive and X-Linked Classification Criteria (2023). Collection method: clinical testing. Allele origin: unknown.
Comment: NM_147127.4(EVC2):c.1207delA(S403Afs*9) is expected to be pathogenic in the context of EVC2-related Ellis-van Creveld syndrome. This variant is predicted to lead to an abnormal or absent protein product due to the creation of a premature termination codon in EVC2, a gene where loss-of-function variants are known to be pathogenic. Please note: this variant was assessed in the context of healthy population screening.